The following is an entry in ClinVar:

ClinVar aggregate classification (germline): Benign/Likely benign. Review status: criteria provided, multiple submitters, no conflicts (2 of 4 stars). 3 submissions from 3 submitters: Benign (1); Likely benign (2). Last evaluated 2024-02-08.

Conditions:
Retinitis pigmentosa (RP). Identifiers: Orphanet 791, MedGen C0035334, MeSH D012174, MONDO:0019200, OMIM 268000. Inheritance: Autosomal dominant, autosomal recessive and X linked inheritance.
Retinal dystrophy. Also called: Inherited retinal dystrophy. Identifiers: Orphanet 71862, MedGen C0854723, MeSH D058499, MONDO:0019118, HP:0000556.

Allele frequency attached by ClinVar (database versions not stated): gnomAD exomes 0.00007 and 0.00011; ExAC 0.00016; 1000 Genomes Project 30x 0.00062; 1000 Genomes Project 0.00079; gnomAD 0.00004.
gnomAD v4.1: 73 of 1,209,794 alleles (0.006%); highest among the groups gnomAD compares: East Asian, 0.22%; 2 homozygotes.

Submissions (3):

Labcorp Genetics (formerly Invitae), Labcorp
Classification: Benign. Last evaluated: 2024-02-08. Review status: criteria provided, single submitter. Criteria: Invitae Variant Classification Sherloc (09022015). Collection method: clinical testing. Allele origin: germline.

Dept Of Ophthalmology, Nagoya University
Classification: Likely benign for Retinal dystrophy. Last evaluated: 2023-10-01. Review status: criteria provided, single submitter. Criteria: Submitter's publication. Collection method: research. Allele origin: germline. Affected: yes.

Illumina Laboratory Services, Illumina
Classification: Likely benign for Retinitis pigmentosa. Last evaluated: 2018-01-12. Review status: criteria provided, single submitter. Criteria: ICSL Variant Classification Criteria 13 December 2019. Collection method: clinical testing. Allele origin: germline.
Comment: This variant was observed in the ICSL laboratory as part of a predisposition screen in an ostensibly healthy population. It had not been previously curated by ICSL or reported in the Human Gene Mutation Database (HGMD: prior to June 1st, 2018), and was therefore a candidate for classification through an automated scoring system. Utilizing variant allele frequency, disease prevalence and penetrance estimates, and inheritance mode, an automated score was calculated to assess if this variant is too frequent to cause the disease. Based on the score and internal cut-off values, a variant classified as likely benign is not then subjected to further curation. The score for this variant resulted in a classification of likely benign for this disease.

NM_006915.3(RP2):c.814A>G (p.Met272Val)

Gene: RP2 (RP2 activator of ARL3 GTPase; plus strand). Cytogenetic location: Xp11.3.
Variant type: single nucleotide variant.
Coding change: c.814A>G on transcript NM_006915.3 (MANE Select); coding-DNA position 814, A replaced by G.
Protein change: p.Met272Val; replaces methionine 272 with valine.
Molecular consequence: missense variant.
Genome position (GRCh38, 1-based): chrX:46,860,033, A>G. VCF-style: chrX-46860033-A-G. GRCh37 (hg19) VCF-style: chrX-46719468-A-G.
Other names: short protein forms M272V.
Identifiers: ClinVar variation 912745 (VCV000912745.12), dbSNP rs143606776, ClinGen allele CA10394250.